The following is an entry in ClinVar:

ClinVar aggregate classification (germline): Uncertain significance (1 of 4 stars; one submission).

gnomAD v4.1: 13 of 1,613,812 alleles (0.00081%); highest among the groups gnomAD compares: East Asian, 0.0089%; no homozygotes.

Submission:

Labcorp Genetics (formerly Invitae), Labcorp
Classification: Uncertain significance. Last evaluated: 2024-07-10. Review status: criteria provided, single submitter. Criteria: Invitae Variant Classification Sherloc (09022015). Collection method: clinical testing. Allele origin: germline.
Comment: This sequence change replaces proline, which is neutral and non-polar, with alanine, which is neutral and non-polar, at codon 1290 of the KANK1 protein (p.Pro1290Ala). This variant is present in population databases (rs769857023, gnomAD 0.03%). This variant has not been reported in the literature in individuals affected with KANK1-related conditions. An algorithm developed to predict the effect of missense changes on protein structure and function (PolyPhen-2) suggests that this variant is likely to be tolerated. In summary, the available evidence is currently insufficient to determine the role of this variant in disease. Therefore, it has been classified as a Variant of Uncertain Significance.

NM_015158.5(KANK1):c.3868C>G (p.Pro1290Ala)

Gene: KANK1 (KN motif and ankyrin repeat domains 1; plus strand). Cytogenetic location: 9p24.3.
Variant type: single nucleotide variant.
Coding change: c.3868C>G on transcript NM_015158.5 (MANE Select); coding-DNA position 3868, C replaced by G.
Protein change: p.Pro1290Ala; replaces proline 1290 with alanine.
Molecular consequence: missense variant. On other transcripts: non-coding transcript variant (1).
Genome position (GRCh38, 1-based): chr9:742,376, C>G. VCF-style: chr9-742376-C-G. GRCh37 (hg19) VCF-style: chr9-742376-C-G.
Other names: c.3868C>G, p.Pro1290Ala (NM_001256876.3, NM_001256877.3, NM_001354334.2); c.3628C>G, p.Pro1210Ala (NM_001354331.2); c.3814C>G, p.Pro1272Ala (NM_001354332.2); c.3394C>G, p.Pro1132Ala (NM_001354333.2, NM_001354335.2, NM_001354337.2 and 2 more transcripts); c.3100C>G, p.Pro1034Ala (NM_001354336.2); c.3340C>G, p.Pro1114Ala (NM_001354338.2, NM_001354340.2, NM_001354344.2); c.3154C>G, p.Pro1052Ala (NM_001354339.2, NM_001354342.2, NM_001354343.2); short protein forms P1034A, P1052A, P1114A, P1132A, P1210A, P1272A, P1290A.
Identifiers: ClinVar variation 3622449 (VCV003622449.2).
Genomic context (GRCh38, chr9:742,376, plus strand): 5'-GCCCTCATGTGTGCCAGCGAGCACGGACACGTGGAGATTGTCAAGCTGCTGCTGGCCCAG[C>G]CCGGCTGCAACGGTCACCTAGAGGACAACGTAAGCTGTCTCCATTGGGCCTCCTGGCCAG-3'
Protein context (NP_055973.2, residues 1280-1300): VEIVKLLLAQ[Pro1290Ala]GCNGHLEDND